The following is an entry in ClinVar:

ClinVar aggregate classification (germline): Conflicting classifications of pathogenicity. Review status: criteria provided, conflicting classifications (1 of 4 stars). 2 submissions from 2 submitters: Uncertain significance (1); Benign (1). Last evaluated 2023-01-01.

Conditions:
Hereditary spastic paraplegia 30. Identifiers: Orphanet 101010, MedGen C5235139, MONDO:0012476.

Allele frequency attached by ClinVar (database versions not stated): 1000 Genomes Project 30x 0.00375; 1000 Genomes Project 0.00399; gnomAD 0.00443 and 0.00474; TOPMed 0.00468.

Submissions (2):

CeGaT Center for Human Genetics Tuebingen
Classification: Benign. Last evaluated: 2023-01-01. Review status: criteria provided, single submitter. Criteria: CeGaT Center For Human Genetics Tuebingen Variant Classification Criteria Version 2. Collection method: clinical testing. Allele origin: germline. Affected: yes. Observed: 1 variant allele.
Comment: KIF1A: BS1, BS2

Illumina Laboratory Services, Illumina
Classification: Uncertain significance for Spastic paraplegia 30A, autosomal dominant. Last evaluated: 2018-01-13. Review status: criteria provided, single submitter. Criteria: ICSL Variant Classification Criteria 13 December 2019. Collection method: clinical testing. Allele origin: germline.

NM_001244008.2(KIF1A):c.*2403G>A

Gene: KIF1A (kinesin family member 1A; minus strand). Cytogenetic location: 2q37.3.
Variant type: single nucleotide variant.
Coding change: c.*2403G>A on transcript NM_001244008.2 (MANE Select); 2403 bases downstream of the stop codon, G replaced by A.
Molecular consequence: 3 prime UTR variant.
Genome position (GRCh38, 1-based): chr2:240,714,961, C>T on the plus strand (G>A on the coding strand, the complement: KIF1A is on the minus strand). VCF-style: chr2-240714961-C-T. GRCh37 (hg19) VCF-style: chr2-241654378-C-T.
Other names: c.*2403G>A (NM_001320705.2, NM_001330289.2, NM_001330290.2 and 20 more transcripts).
Identifiers: ClinVar variation 898956 (VCV000898956.28), dbSNP rs115916702, ClinGen allele CA68128571.
Genomic context (GRCh38, chr2:240,714,961, plus strand): 5'-CATGGCAGTGGAGGCTTCTGAATTTAGGCAGCTCCCAGGCACCTCCACTCAGCCCACCCA[C>T]GCCGCGAGTGCTCTGCAGGTTGGCTGGCCTCAGACACCTGCGACCTGGGGGGTGCGCCCA-3'